The following is an entry in ClinVar:

ClinVar aggregate classification (germline): Uncertain significance (1 of 4 stars; one submission).

Conditions:
Polycystic kidney disease 2 (PKD2). Also called: Polycystic Kidney Disease 2, Autosomal Dominant; POLYCYSTIC KIDNEY DISEASE, ADULT, TYPE II; POLYCYSTIC KIDNEY DISEASE 2 WITH OR WITHOUT POLYCYSTIC LIVER DISEASE. Identifiers: MedGen C2751306, MONDO:0013131, OMIM 613095.

Submission:

Laboratorio de Genetica e Diagnostico Molecular, Hospital Israelita Albert Einstein
Classification: Uncertain significance for Polycystic kidney disease 2. Last evaluated: 2025-01-17. Review status: criteria provided, single submitter. Criteria: ACMG Guidelines, 2015. Collection method: clinical testing. Allele origin: germline. Affected: yes.
Comment: ACMG classification criteria: PM2 supporting, PP3 supporting

NM_000297.4(PKD2):c.1487G>C (p.Arg496Pro)

Gene: PKD2 (polycystin 2, transient receptor potential cation channel; plus strand). Cytogenetic location: 4q22.1.
Variant type: single nucleotide variant.
Coding change: c.1487G>C on transcript NM_000297.4 (MANE Select); coding-DNA position 1487, G replaced by C.
Protein change: p.Arg496Pro; replaces arginine 496 with proline.
Molecular consequence: missense variant. On other transcripts: non-coding transcript variant (1).
Genome position (GRCh38, 1-based): chr4:88,046,809, G>C. VCF-style: chr4-88046809-G-C. GRCh37 (hg19) VCF-style: chr4-88967961-G-C.
Other names: short protein forms R496P.
Identifiers: ClinVar variation 4056734 (VCV004056734.1).
Genomic context (GRCh38, chr4:88,046,809, plus strand): 5'-GTGAGATTATCTTTTGTTTCTTTATCTTTTACTATGTGGTGGAAGAGATATTGGAAATTC[G>C]CATTCACAAACTACACTATTTCAGGAGTTTCTGGAATTGTCTGGATGTTGTGATCGTTGT-3'
Protein context (NP_000288.1, residues 486-506): YYVVEEILEI[Arg496Pro]IHKLHYFRSF